The following is an entry in ClinVar:

NM_000632.4(ITGAM):c.1984C>T (p.Arg662Trp)

Gene: ITGAM (integrin subunit alpha M; plus strand). Cytogenetic location: 16p11.2.
Variant type: single nucleotide variant.
Coding change: c.1984C>T on transcript NM_000632.4 (MANE Select); coding-DNA position 1984, C replaced by T.
Protein change: p.Arg662Trp; replaces arginine 662 with tryptophan.
Molecular consequence: missense variant.
Genome position (GRCh38, 1-based): chr16:31,321,609, C>T. VCF-style: chr16-31321609-C-T. GRCh37 (hg19) VCF-style: chr16-31332930-C-T.
Other names: c.1987C>T, p.Arg663Trp (NM_001145808.2); c.1984C>T (NM_000632.3); short protein forms R662W, R663W.
Identifiers: ClinVar variation 1008973 (VCV001008973.8), dbSNP rs200956800, ClinGen allele CA8025694.

ClinVar aggregate classification (germline): Uncertain significance. Review status: criteria provided, multiple submitters, no conflicts (2 of 4 stars). 3 submissions from 3 submitters: Uncertain significance (3). Last evaluated 2026-05-21.

Conditions:
ITGAM-related disorder. Also called: ITGAM-related condition.

Allele frequency attached by ClinVar (database versions not stated): TOPMed 0.00035; gnomAD 0.00039; ESP Exome Variant Server 0.00062.
gnomAD v4.1: 132 of 1,612,256 alleles (0.0082%); highest among the groups gnomAD compares: African/African-American, 0.09%; no homozygotes.

Submissions (3):

PreventionGenetics, part of Exact Sciences
Classification: Uncertain significance for ITGAM-related condition. Last evaluated: 2026-05-21. Review status: criteria provided, single submitter. Criteria: ACMG Guidelines, 2015. Collection method: clinical testing. Allele origin: germline.
Comment: The ITGAM c.1984C>T variant is predicted to result in the amino acid substitution p.Arg662Trp. This variant has been reported in an individual with purpura fulminans (Table S5, Reported as R663W via NM_001145808, Bendapudi et al. 2024. PubMed ID: 38096369). This variant is reported in 0.091% of alleles in individuals of African descent in gnomAD, which may be too common to be causative. Although we suspect that this variant may be benign, at this time, the clinical significance of this variant is uncertain due to the absence of conclusive functional and genetic evidence.

Labcorp Genetics (formerly Invitae), Labcorp
Classification: Uncertain significance. Last evaluated: 2025-12-26. Review status: criteria provided, single submitter. Criteria: Invitae Variant Classification Sherloc (09022015). Collection method: clinical testing. Allele origin: germline.
Comment: This sequence change replaces arginine, which is basic and polar, with tryptophan, which is neutral and slightly polar, at codon 662 of the ITGAM protein (p.Arg662Trp). This variant is present in population databases (rs200956800, gnomAD 0.1%), and has an allele count higher than expected for a pathogenic variant. This variant has not been reported in the literature in individuals affected with ITGAM-related conditions. ClinVar contains an entry for this variant (Variation ID: 1008973). An algorithm developed to predict the effect of missense changes on protein structure and function outputs the following: PolyPhen-2: "Benign". The tryptophan amino acid residue is found in multiple mammalian species, which suggests that this missense change does not adversely affect protein function. In summary, the available evidence is currently insufficient to determine the role of this variant in disease. Therefore, it has been classified as a Variant of Uncertain Significance.

Ambry Genetics
Classification: Uncertain significance. Last evaluated: 2024-07-14. Review status: criteria provided, single submitter. Criteria: Ambry Variant Classification Scheme 2023. Collection method: clinical testing. Allele origin: germline.